The following is an entry in ClinVar:

ClinVar aggregate classification (germline): Uncertain significance. Review status: criteria provided, multiple submitters, no conflicts (2 of 4 stars). 2 submissions from 2 submitters: Uncertain significance (2). Last evaluated 2023-10-20.

Conditions:
Familial thoracic aortic aneurysm and aortic dissection (TAAD). Also called: Thoracic aortic aneurysms and dissections. Identifiers: Orphanet 91387, MedGen C4707243, MONDO:0019625.
Aortic aneurysm, familial thoracic 4 (AAT4). Also called: AORTIC ANEURYSM/AORTIC DISSECTION AND PATENT DUCTUS ARTERIOSUS. Identifiers: MedGen C1851504, MONDO:0007568, OMIM 132900.

Submissions (2):

Labcorp Genetics (formerly Invitae), Labcorp
Classification: Uncertain significance for Aortic aneurysm, familial thoracic 4. Last evaluated: 2023-10-20. Review status: criteria provided, single submitter. Criteria: Invitae Variant Classification Sherloc (09022015). Collection method: clinical testing. Allele origin: germline.
Comment: This sequence change falls in intron 37 of the MYH11 gene. It does not directly change the encoded amino acid sequence of the MYH11 protein. It affects a nucleotide within the consensus splice site. Information on the frequency of this variant in the gnomAD database is not available, as this variant may be reported differently in the database. This variant has not been reported in the literature in individuals affected with MYH11-related conditions. ClinVar contains an entry for this variant (Variation ID: 924560). Variants that disrupt the consensus splice site are a relatively common cause of aberrant splicing (PMID: 17576681, 9536098). Experimental studies and prediction algorithms are not available or were not evaluated, and the effect of this variant on mRNA splicing is currently unknown. In summary, the available evidence is currently insufficient to determine the role of this variant in disease. Therefore, it has been classified as a Variant of Uncertain Significance.

Color Diagnostics, LLC DBA Color Health
Classification: Uncertain significance for Familial thoracic aortic aneurysm and aortic dissection. Last evaluated: 2019-12-29. Review status: criteria provided, single submitter. Criteria: ACMG Guidelines, 2015. Collection method: clinical testing. Allele origin: germline.
Comment: This variant changes two consecutive nucleotides in intron 37 splice acceptor site of the MYH11 gene. To our knowledge, functional studies have not been performed for this variant. This variant has not been reported in individuals affected with cardiovascular disorders in the literature. This variant has not been identified in the general population by the Genome Aggregation Database (gnomAD). The available evidence is insufficient to determine the role of this variant in disease conclusively. Therefore, this variant is classified as a Variant of Uncertain Significance.

Literature cited by the submitters: PubMed 17576681 (cited by Labcorp Genetics (formerly Invitae), Labcorp); PubMed 9536098 (cited by Labcorp Genetics (formerly Invitae), Labcorp).

NM_002474.3(MYH11):c.5172-4_5172-3delinsGT

Genes: MYH11 (myosin heavy chain 11; minus strand), NDE1 (nudE neurodevelopment protein 1; plus strand). Cytogenetic location: 16p13.11.
Variant type: Indel.
Coding change: c.5172-4_5172-3delinsGT on transcript NM_002474.3 (MANE Select); 4 bases into the intron before coding-DNA position 5172 through 3 bases into the intron before coding-DNA position 5172, CC replaced by GT.
Molecular consequence: intron variant.
Genome position (GRCh38, 1-based): chr16:15,718,441-15,718,442, GG replaced by AC on the plus strand (CC replaced by GT on the coding strand, the reverse complement: MYH11 is on the minus strand). VCF-style: chr16-15718441-GG-AC. GRCh37 (hg19) VCF-style: chr16-15812298-GG-AC.
Other names: c.948-5750_948-5749delinsAC (NM_001143979.2, NM_017668.3); c.5172-4_5172-3delinsGT (NM_022844.3); c.5193-4_5193-3delinsGT (NM_001040114.2, NM_001040113.2).
Identifiers: ClinVar variation 924560 (VCV000924560.6), dbSNP rs2040287388, ClinGen allele CA1139664568.
Genomic context (GRCh38, chr16:15,718,441, plus strand): 5'-CTCCTCCAGCTGGGCGATCCGGGCCTCCAGGCGGCGCTTCTCGTCCTGGAGTGCGTTCCT[GG>AC]GGGAAGGGCGGCCATGGTGGGGGCCTCTACCCTCCCCCGCCTTAAAAGATGCCCCCTCCT-3'